The following is an entry in ClinVar:

NM_000256.3(MYBPC3):c.2825del (p.Phe942fs)

Gene: MYBPC3 (myosin binding protein C3; minus strand). Cytogenetic location: 11p11.2.
Variant type: Deletion.
Coding change: c.2825del on transcript NM_000256.3 (MANE Select); coding-DNA position 2825, one base deleted (T; older notation c.2825delT).
Protein change: p.Phe942fs; shifts the reading frame from phenylalanine 942.
Molecular consequence: frameshift variant.
Genome position (GRCh38, 1-based): chr11:47,335,122, A deleted on the plus strand (T on the coding strand, the reverse complement: MYBPC3 is on the minus strand); the first of 4 consecutive A bases (chr11:47,335,122-47,335,125); deleting any one gives the same sequence. VCF-style (leftmost placement, unchanged base first): chr11-47335121-GA-G. GRCh37 (hg19) VCF-style: chr11-47356672-GA-G.
Other names: c.2825delT (NM_000256.3); short protein forms F942fs.
Identifiers: ClinVar variation 3230881 (VCV003230881.2), dbSNP rs1265547595, ClinGen allele CA599057877.
Genomic context (GRCh38, chr11:47,335,121, plus strand): 5'-CACCGGCTCCGTGGTGGTAACAGGGGCTCCAGGCCCTGCCATATTGTGTGCCCGCACTCG[GA>G]AAAGCAGCCGGGCCCCCGTGGGCAGGTCCTTCACCAGTATCGATGTGTGCTCTGTCAGCC-3'

ClinVar aggregate classification (germline): Pathogenic/Likely pathogenic. Review status: criteria provided, multiple submitters, no conflicts (2 of 4 stars). 2 submissions from 2 submitters: Pathogenic (1); Likely pathogenic (1). Last evaluated 2024-11-06.

Conditions:
Cardiovascular phenotype. Identifiers: MedGen CN230736.

Submissions (2):

Molecular Diagnostic Laboratory for Inherited Cardiovascular Disease, Montreal Heart Institute
Classification: Likely pathogenic for Cardiovascular phenotype. Last evaluated: 2024-11-06. Review status: criteria provided, single submitter. Criteria: ACMG Guidelines, 2015. Collection method: clinical testing. Allele origin: germline. Affected: yes.
Comment: PVS1, PM2

Ambry Genetics
Classification: Pathogenic for Cardiovascular phenotype. Last evaluated: 2022-12-19. Review status: criteria provided, single submitter. Criteria: Ambry Variant Classification Scheme 2023. Collection method: clinical testing. Allele origin: germline.
Comment: The c.2825delT pathogenic mutation, located in coding exon 27 of the MYBPC3 gene, results from a deletion of one nucleotide at nucleotide position 2825, causing a translational frameshift with a predicted alternate stop codon (p.F942Sfs*21). This variant is considered to be rare based on population cohorts in the Genome Aggregation Database (gnomAD). In addition, this alteration is expected to result in loss of function by premature protein truncation or nonsense-mediated mRNA decay. As such, this alteration is interpreted as a disease-causing mutation.